The following is an entry in ClinVar:

ClinVar aggregate classification (germline): Likely benign (1 of 4 stars; one submission).

Allele frequency attached by ClinVar (database versions not stated): gnomAD 0.00005; gnomAD exomes 0.00007; TOPMed 0.00012.
gnomAD v4.1: 10 of 200,450 alleles (0.005%); highest among the groups gnomAD compares: Admixed American, 0.025%; no homozygotes.

Submission:

GeneDx
Classification: Likely benign. Last evaluated: 2016-12-21. Review status: criteria provided, single submitter. Criteria: GeneDx Variant Classification (06012015). Collection method: clinical testing. Allele origin: germline. Affected: yes.
Comment: This variant is considered likely benign or benign based on one or more of the following criteria: it is a conservative change, it occurs at a poorly conserved position in the protein, it is predicted to be benign by multiple in silico algorithms, and/or has population frequency not consistent with disease.

NM_000431.4(MVK):c.-29C>T

Gene: MVK (mevalonate kinase; plus strand). Cytogenetic location: 12q24.11.
Variant type: single nucleotide variant.
Coding change: c.-29C>T on transcript NM_000431.4 (MANE Select); 29 bases upstream of the start codon, C replaced by T.
Molecular consequence: 5 prime UTR variant.
Genome position (GRCh38, 1-based): chr12:109,573,859, C>T. VCF-style: chr12-109573859-C-T. GRCh37 (hg19) VCF-style: chr12-110011664-C-T.
Other names: c.-29C>T (LRG_156t1, NM_001301182.2); c.-20C>T (NM_001114185.3).
Identifiers: ClinVar variation 391960 (VCV000391960.1), dbSNP rs534090085, ClinGen allele CA16606357.
Genomic context (GRCh38, chr12:109,573,859, plus strand): 5'-GGGTTGTGGGAGTTGGGGAGCTGCTCCGGCTTCGGCGCGGAGGGGCGGCGGCCGGGGAGG[C>T]GGCGGCGGCGGCAGGTGAGAGGCCGGGGTCGGGCGGCCGGGCGGCGCGAGGTCCTAGACC-3'